The following is an entry in ClinVar:

NM_000257.4(MYH7):c.2976G>A (p.Leu992=)

Gene: MYH7 (myosin heavy chain 7; minus strand). Cytogenetic location: 14q11.2.
Variant type: single nucleotide variant.
Coding change: c.2976G>A on transcript NM_000257.4 (MANE Select); coding-DNA position 2976, G replaced by A.
Protein change: p.Leu992=; no amino-acid change (leucine 992 retained).
Molecular consequence: synonymous variant.
Genome position (GRCh38, 1-based): chr14:23,423,670, C>T on the plus strand (G>A on the coding strand, the complement: MYH7 is on the minus strand). VCF-style: chr14-23423670-C-T. GRCh37 (hg19) VCF-style: chr14-23892879-C-T.
Identifiers: ClinVar variation 227595 (VCV000227595.22), dbSNP rs368728770, ClinGen allele CA035059.

ClinVar aggregate classification (germline): Likely benign. Review status: criteria provided, multiple submitters, no conflicts (2 of 4 stars). 8 submissions from 8 submitters: Likely benign (7). 1 of the submissions does not count toward it. Last evaluated 2025-12-23.

Conditions:
MYH7-related disorder. Also called: MYH7-related disorders; MYH7-related condition; MYH7-related disease.
Cardiovascular phenotype. Identifiers: MedGen CN230736.
Cardiomyopathy (CMYO). Also called: Cardiomyopathies. Identifiers: Orphanet 167848, MedGen C0878544, MONDO:0004994, HP:0001638. Inheritance: Various modes of inheritance.
Hypertrophic cardiomyopathy. Also called: HYPERTROPHIC MYOCARDIOPATHY. Identifiers: Orphanet 217569, MedGen C0007194, MeSH D002312, MONDO:0005045, HP:0001639.

Allele frequency attached by ClinVar (database versions not stated): TOPMed 0.00002; ExAC 0.00003; ESP Exome Variant Server 0.00008; 1000 Genomes Project 30x 0.00016; 1000 Genomes Project 0.00020; gnomAD 0.00001; gnomAD exomes 0.00001 and 0.00002.
gnomAD v4.1: 15 of 1,614,118 alleles (0.00093%); highest among the groups gnomAD compares: Non-Finnish European, 0.0013%; no homozygotes.

Submissions (8):

Labcorp Genetics (formerly Invitae), Labcorp
Classification: Likely benign for Hypertrophic cardiomyopathy. Last evaluated: 2025-12-23. Review status: criteria provided, single submitter. Criteria: Invitae Variant Classification Sherloc (09022015). Collection method: clinical testing. Allele origin: germline.

Molecular Diagnostic Laboratory for Inherited Cardiovascular Disease, Montreal Heart Institute
Classification: Likely benign. Last evaluated: 2025-04-09. Review status: criteria provided, single submitter. Criteria: ACMG Guidelines, 2015. Collection method: clinical testing. Allele origin: germline. Affected: no.

Blueprint Genetics
Classification: Likely benign. Last evaluated: 2024-10-18. Review status: criteria provided, single submitter. Criteria: ACMG Guidelines, 2015. Collection method: clinical testing. Allele origin: germline.

All of Us Research Program, National Institutes of Health
Classification: Likely benign for Cardiomyopathy. Last evaluated: 2024-05-30. Review status: criteria provided, single submitter. Criteria: ACMG Guidelines, 2015. Collection method: clinical testing. Allele origin: germline. Inheritance: Autosomal dominant inheritance. Observed: 2 variant alleles, 2 heterozygotes.
Comment: This study involves interpretation of variants in research participants for the purpose of population health screening. Participant phenotype was not available at the time of variant classification. Additional details can be found in publication PMID: 35346344, PMCID: PMC8962531

Ambry Genetics
Classification: Likely benign for Cardiovascular phenotype. Last evaluated: 2021-08-31. Review status: criteria provided, single submitter. Criteria: Ambry Variant Classification Scheme 2023. Collection method: clinical testing. Allele origin: germline.

Color Diagnostics, LLC DBA Color Health
Classification: Likely benign for Cardiomyopathy. Last evaluated: 2018-11-25. Review status: criteria provided, single submitter. Criteria: ACMG Guidelines, 2015. Collection method: clinical testing. Allele origin: germline.

Laboratory for Molecular Medicine, Mass General Brigham Personalized Medicine
Classification: Likely benign. Last evaluated: 2014-12-16. Review status: criteria provided, single submitter. Criteria: LMM Criteria. Collection method: clinical testing. Allele origin: germline. Observed: 1 variant allele.
Comment: p.Leu992Leu in exon 24 of MYH7: This variant is not expected to have clinical si gnificance because it does not alter an amino acid residue and is not located wi thin the splice consensus sequence. It has been identified in 4/67700 European c hromosomes by the Exome Aggregation Consortium (ExAC .org; dbSNP rs368728770).

PreventionGenetics, part of Exact Sciences
Classification: Likely benign for MYH7-related condition. Last evaluated: 2020-11-16. Review status: no assertion criteria provided. Collection method: clinical testing. Allele origin: germline. Not counted in ClinVar's aggregate classification.
Comment: This variant is classified as likely benign based on ACMG/AMP sequence variant interpretation guidelines (Richards et al. 2015 PMID: 25741868, with internal and published modifications).